The following is an entry in ClinVar:

NM_000540.3(RYR1):c.345+15G>A

Gene: RYR1 (ryanodine receptor 1; plus strand). Cytogenetic location: 19q13.2.
Variant type: single nucleotide variant.
Coding change: c.345+15G>A on transcript NM_000540.3 (MANE Select); 15 bases into the intron after coding-DNA position 345, G replaced by A.
Molecular consequence: intron variant.
Genome position (GRCh38, 1-based): chr19:38,443,647, G>A. VCF-style: chr19-38443647-G-A. GRCh37 (hg19) VCF-style: chr19-38934287-G-A.
Other names: c.345+15G>A (NM_001042723.2).
Identifiers: ClinVar variation 1586692 (VCV001586692.10), dbSNP rs199755207, ClinGen allele CA064855.
Genomic context (GRCh38, chr19:38,443,647, plus strand): 5'-CCTGTATGGCCATGCCATCCTGCTCCGGCATGCACACAGCCGCATGGTGAGTGCAACCTC[G>A]GTGGGCGTGGGCAGGGGCCAGGGCATGTGGGGCCTGCTAGAAGGAGGCTGACCTCCCTCT-3'

ClinVar aggregate classification (germline): Benign/Likely benign. Review status: criteria provided, multiple submitters, no conflicts (2 of 4 stars). 2 submissions from 2 submitters: Benign (1); Likely benign (1). Last evaluated 2025-08-21.

Conditions:
RYR1-related disorder. Also called: RYR1-related condition; RYR1-related disorders. Identifiers: MedGen CN239331.

Allele frequency attached by ClinVar (database versions not stated): gnomAD 0.00003; gnomAD exomes 0.00003 and 0.00008; ExAC 0.00006; TOPMed 0.00006; 1000 Genomes Project 30x 0.00016; 1000 Genomes Project 0.00020.

Submissions (2):

Labcorp Genetics (formerly Invitae), Labcorp
Classification: Likely benign for RYR1-related disorder. Last evaluated: 2025-08-21. Review status: criteria provided, single submitter. Criteria: Invitae Variant Classification Sherloc (09022015). Collection method: clinical testing. Allele origin: germline.

Women's Health and Genetics/Laboratory Corporation of America, LabCorp
Classification: Benign. Last evaluated: 2022-08-07. Review status: criteria provided, single submitter. Criteria: LabCorp Variant Classification Summary - May 2015. Collection method: clinical testing. Allele origin: germline.
Comment: Variant summary: RYR1 c.345+15G>A alters a non-conserved nucleotide located close to a canonical splice site and therefore could affect mRNA splicing, leading to a significantly altered protein sequence. 4/4 computational tools predict no significant impact on normal splicing. However, these predictions have yet to be confirmed by functional studies. The variant allele was found at a frequency of 8.4e-05 in 251322 control chromosomes, predominantly at a frequency of 0.001 within the East Asian subpopulation in the gnomAD database. The observed variant frequency within East Asian control individuals in the gnomAD database is approximately 11 fold of the estimated maximal expected allele frequency for a pathogenic variant in RYR1 causing Malignant Hyperthermia Susceptibility phenotype (8.8e-05), strongly suggesting that the variant is a benign polymorphism found primarily in populations of East Asian origin. To our knowledge, no occurrence of c.345+15G>A in individuals affected with Malignant Hyperthermia Susceptibility and no experimental evidence demonstrating its impact on protein function have been reported. One clinical diagnostic laboratory has submitted clinical-significance assessments for this variant to ClinVar after 2014 and classified the variant as likely benign. Based on the evidence outlined above, the variant was classified as benign.